The following is an entry in ClinVar:

ClinVar aggregate classification (germline): Conflicting classifications of pathogenicity. Review status: criteria provided, conflicting classifications (1 of 4 stars). 2 submissions from 2 submitters: Uncertain significance (1); Likely benign (1). Last evaluated 2026-05-06.

Conditions:
Hereditary cancer-predisposing syndrome. Also called: Tumor predisposition; Neoplastic Syndromes, Hereditary; Hereditary Cancer Syndrome; Hereditary neoplastic syndrome. Identifiers: Orphanet 140162, MedGen C0027672, MeSH D009386, MONDO:0015356.
Retinoblastoma (RB1). Also called: RETINOBLASTOMA, SOMATIC. Identifiers: Orphanet 790, MedGen C0035335, MeSH D012175, MONDO:0008380, OMIM 180200, HP:0009919. Disease mechanism: loss of function. Inheritance: Both sporadic and heritable forms are tested..

Submissions (2):

Ambry Genetics
Classification: Likely benign for Hereditary cancer-predisposing syndrome. Last evaluated: 2026-05-06. Review status: criteria provided, single submitter. Criteria: Ambry Variant Classification Scheme 2023. Collection method: clinical testing. Allele origin: germline.

Labcorp Genetics (formerly Invitae), Labcorp
Classification: Uncertain significance for Retinoblastoma. Last evaluated: 2021-07-06. Review status: criteria provided, single submitter. Criteria: Invitae Variant Classification Sherloc (09022015). Collection method: clinical testing. Allele origin: germline.
Comment: This sequence change replaces asparagine with aspartic acid at codon 522 of the RB1 protein (p.Asn522Asp). The asparagine residue is moderately conserved and there is a small physicochemical difference between asparagine and aspartic acid. This variant is not present in population databases (ExAC no frequency). This variant has not been reported in the literature in individuals with RB1-related conditions. Algorithms developed to predict the effect of missense changes on protein structure and function output the following: SIFT: "Tolerated"; PolyPhen-2: "Benign"; Align-GVGD: "Class C0". The aspartic acid amino acid residue is found in multiple mammalian species, suggesting that this missense change does not adversely affect protein function. These predictions have not been confirmed by published functional studies and their clinical significance is uncertain. In summary, the available evidence is currently insufficient to determine the role of this variant in disease. Therefore, it has been classified as a Variant of Uncertain Significance.

NM_000321.3(RB1):c.1564A>G (p.Asn522Asp)

Gene: RB1 (RB transcriptional corepressor 1; plus strand). Cytogenetic location: 13q14.2.
Variant type: single nucleotide variant.
Coding change: c.1564A>G on transcript NM_000321.3 (MANE Select); coding-DNA position 1564, A replaced by G.
Protein change: p.Asn522Asp; replaces asparagine 522 with aspartic acid.
Molecular consequence: missense variant.
Genome position (GRCh38, 1-based): chr13:48,381,312, A>G. VCF-style: chr13-48381312-A-G. GRCh37 (hg19) VCF-style: chr13-48955448-A-G.
Other names: c.1564A>G (NM_000321.2); short protein forms N522D.
Identifiers: ClinVar variation 1419052 (VCV001419052.10), dbSNP rs2138145139, ClinGen allele CA388163534.
Genomic context (GRCh38, chr13:48,381,312, plus strand): 5'-ACATCTCAGAATCTTGATTCTGGAACAGATTTGTCTTTCCCATGGATTCTGAATGTGCTT[A>G]ATTTAAAAGCCTTTGATTTTTACAAAGTGATCGAAAGTTTTATCAAAGCAGAAGGCAACT-3'
Protein context (NP_000312.2, residues 512-532): LSFPWILNVL[Asn522Asp]LKAFDFYKVI